The following is an entry in ClinVar:

ClinVar aggregate classification (germline): Benign/Likely benign. Review status: criteria provided, multiple submitters, no conflicts (2 of 4 stars). 9 submissions from 9 submitters: Benign (2); Likely benign (6). 1 of the submissions does not count toward it. Last evaluated 2026-02-03.

Conditions:
Hereditary cancer-predisposing syndrome. Also called: Tumor predisposition; Hereditary neoplastic syndrome; Neoplastic Syndromes, Hereditary; Hereditary Cancer Syndrome. Identifiers: Orphanet 140162, MedGen C0027672, MeSH D009386, MONDO:0015356.
Neuroblastoma, susceptibility to, 3. Also called: ALK-Related Neuroblastic Tumor Susceptibility. Identifiers: Orphanet 635, MedGen C2751681, MONDO:0013083, OMIM 613014.

Allele frequency attached by ClinVar (database versions not stated): gnomAD 0.00011 and 0.00025; TOPMed 0.00016; ExAC 0.00053; gnomAD exomes 0.00053; 1000 Genomes Project 30x 0.00078; 1000 Genomes Project 0.00080.
gnomAD v4.1: 413 of 1,613,370 alleles (0.026%); highest among the groups gnomAD compares: South Asian, 0.36%; 7 homozygotes.

Submissions (9):

Labcorp Genetics (formerly Invitae), Labcorp
Classification: Benign for Neuroblastoma, susceptibility to, 3. Last evaluated: 2026-02-03. Review status: criteria provided, single submitter. Criteria: Invitae Variant Classification Sherloc (09022015). Collection method: clinical testing. Allele origin: germline.

Blueprint Genetics
Classification: Likely benign. Last evaluated: 2024-11-11. Review status: criteria provided, single submitter. Criteria: ACMG Guidelines, 2015. Collection method: clinical testing. Allele origin: germline.

ARUP Laboratories, Molecular Genetics and Genomics, ARUP Laboratories
Classification: Likely benign for Neuroblastoma, susceptibility to, 3. Last evaluated: 2024-04-25. Review status: criteria provided, single submitter. Criteria: ARUP Molecular Germline Variant Investigation Process 2024. Collection method: clinical testing. Allele origin: germline.

KCCC/NGS Laboratory, Kuwait Cancer Control Center
Classification: Likely benign for Neuroblastoma, susceptibility to, 3. Last evaluated: 2023-07-07. Review status: criteria provided, single submitter. Criteria: ACMG Guidelines, 2015. Collection method: clinical testing. Allele origin: germline. Affected: yes.

Women's Health and Genetics/Laboratory Corporation of America, LabCorp
Classification: Likely benign. Last evaluated: 2021-10-27. Review status: criteria provided, single submitter. Criteria: LabCorp Variant Classification Summary - May 2015. Collection method: clinical testing. Allele origin: germline.

Department of Pathology and Laboratory Medicine, Sinai Health System
Classification: Likely benign for neuroblastoma, susceptibility to, 3. Last evaluated: 2021-07-30. Review status: criteria provided, single submitter. Criteria: ACMG Guidelines, 2015. Collection method: research. Allele origin: germline.

Sema4
Classification: Benign for Hereditary cancer-predisposing syndrome. Last evaluated: 2020-10-06. Review status: criteria provided, single submitter. Criteria: Sema4 Curation Guidelines. Collection method: curation. Allele origin: germline.

Ambry Genetics
Classification: Likely benign for Hereditary cancer-predisposing syndrome. Last evaluated: 2018-10-31. Review status: criteria provided, single submitter. Criteria: Ambry Variant Classification Scheme 2023. Collection method: clinical testing. Allele origin: germline.

ITMI
No classification provided. Condition: AllHighlyPenetrant. Last evaluated: 2013-09-19. Review status: no classification provided. Collection method: reference population. Allele origin: germline. Not counted in ClinVar's aggregate classification.
Comment: Please see associated publication for description of ethnicities

Literature cited by the submitters: PubMed 24728327 (cited by ITMI).

NM_004304.5(ALK):c.3139G>A (p.Ala1047Thr)

Gene: ALK (ALK receptor tyrosine kinase; minus strand). Cytogenetic location: 2p23.2.
Variant type: single nucleotide variant.
Coding change: c.3139G>A on transcript NM_004304.5 (MANE Select); coding-DNA position 3139, G replaced by A.
Protein change: p.Ala1047Thr; replaces alanine 1047 with threonine.
Molecular consequence: missense variant.
Genome position (GRCh38, 1-based): chr2:29,225,494, C>T on the plus strand (G>A on the coding strand, the complement: ALK is on the minus strand). VCF-style: chr2-29225494-C-T. GRCh37 (hg19) VCF-style: chr2-29448360-C-T.
Other names: short protein forms A1047T.
Identifiers: ClinVar variation 133468 (VCV000133468.21), dbSNP rs370049091, ClinGen allele CA156620.